The following is an entry in ClinVar:

ClinVar aggregate classification (germline): Uncertain significance. Review status: criteria provided, multiple submitters, no conflicts (2 of 4 stars). 2 submissions from 2 submitters: Uncertain significance (2). Last evaluated 2023-02-15.

Conditions:
Primary ciliary dyskinesia. Also called: Ciliary dyskinesia. Identifiers: Orphanet 244, MedGen C0008780, MONDO:0016575, HP:0012265.

Allele frequency attached by ClinVar (database versions not stated): gnomAD 0.00001; gnomAD exomes 0.00001; TOPMed 0.00002.
gnomAD v4.1: 20 of 1,613,884 alleles (0.0012%); highest among the groups gnomAD compares: South Asian, 0.0033%; no homozygotes.

Submissions (2):

Blueprint Genetics
Classification: Uncertain significance. Last evaluated: 2023-02-15. Review status: criteria provided, single submitter. Criteria: ACMG Guidelines, 2015. Collection method: clinical testing. Allele origin: germline.

Labcorp Genetics (formerly Invitae), Labcorp
Classification: Uncertain significance for Primary ciliary dyskinesia. Last evaluated: 2022-04-17. Review status: criteria provided, single submitter. Criteria: Invitae Variant Classification Sherloc (09022015). Collection method: clinical testing. Allele origin: germline.
Comment: This sequence change replaces threonine, which is neutral and polar, with methionine, which is neutral and non-polar, at codon 2730 of the DNAH5 protein (p.Thr2730Met). This variant is present in population databases (no rsID available, gnomAD 0.003%). This variant has not been reported in the literature in individuals affected with DNAH5-related conditions. Algorithms developed to predict the effect of missense changes on protein structure and function are either unavailable or do not agree on the potential impact of this missense change (SIFT: "Deleterious"; PolyPhen-2: "Probably Damaging"; Align-GVGD: "Class C15"). In summary, the available evidence is currently insufficient to determine the role of this variant in disease. Therefore, it has been classified as a Variant of Uncertain Significance.

NM_001369.3(DNAH5):c.8189C>T (p.Thr2730Met)

Gene: DNAH5 (dynein axonemal heavy chain 5; minus strand). Cytogenetic location: 5p15.2.
Variant type: single nucleotide variant.
Coding change: c.8189C>T on transcript NM_001369.3 (MANE Select); coding-DNA position 8189, C replaced by T.
Protein change: p.Thr2730Met; replaces threonine 2730 with methionine.
Molecular consequence: missense variant.
Genome position (GRCh38, 1-based): chr5:13,793,550, G>A on the plus strand (C>T on the coding strand, the complement: DNAH5 is on the minus strand). VCF-style: chr5-13793550-G-A. GRCh37 (hg19) VCF-style: chr5-13793659-G-A.
Other names: short protein forms T2730M.
Identifiers: ClinVar variation 1916942 (VCV001916942.3), dbSNP rs1161099550, ClinGen allele CA359221020.